The following is an entry in ClinVar:

ClinVar aggregate classification (germline): Uncertain significance (1 of 4 stars; one submission).

Allele frequency attached by ClinVar (database versions not stated): gnomAD exomes below 0.00001; gnomAD 0.00001; TOPMed 0.00001.
gnomAD v4.1: 5 of 1,614,066 alleles (0.00031%); highest among the groups gnomAD compares: Non-Finnish European, 0.00042%; no homozygotes.

Submission:

Labcorp Genetics (formerly Invitae), Labcorp
Classification: Uncertain significance. Last evaluated: 2022-06-14. Review status: criteria provided, single submitter. Criteria: Invitae Variant Classification Sherloc (09022015). Collection method: clinical testing. Allele origin: germline.
Comment: In summary, the available evidence is currently insufficient to determine the role of this variant in disease. Therefore, it has been classified as a Variant of Uncertain Significance. Algorithms developed to predict the effect of missense changes on protein structure and function are either unavailable or do not agree on the potential impact of this missense change (SIFT: "Deleterious"; PolyPhen-2: "Possibly Damaging"; Align-GVGD: "Class C0"). This variant has not been reported in the literature in individuals affected with ROR1-related conditions. This variant is not present in population databases (gnomAD no frequency). This sequence change replaces glutamic acid, which is acidic and polar, with lysine, which is basic and polar, at codon 715 of the ROR1 protein (p.Glu715Lys).

NM_005012.4(ROR1):c.2143G>A (p.Glu715Lys)

Gene: ROR1 (receptor tyrosine kinase like orphan receptor 1; plus strand). Cytogenetic location: 1p31.3.
Variant type: single nucleotide variant.
Coding change: c.2143G>A on transcript NM_005012.4 (MANE Select); coding-DNA position 2143, G replaced by A.
Protein change: p.Glu715Lys; replaces glutamic acid 715 with lysine.
Molecular consequence: missense variant.
Genome position (GRCh38, 1-based): chr1:64,178,184, G>A. VCF-style: chr1-64178184-G-A. GRCh37 (hg19) VCF-style: chr1-64643867-G-A.
Other names: short protein forms E715K.
Identifiers: ClinVar variation 1954096 (VCV001954096.5), dbSNP rs1169313694, ClinGen allele CA340645725.